The following is an entry in ClinVar:

NM_007294.4(BRCA1):c.2299del (p.Ser767fs)

Gene: BRCA1 (BRCA1 DNA repair associated; minus strand). Cytogenetic location: 17q21.31.
Variant type: Deletion.
Coding change: c.2299del on transcript NM_007294.4 (MANE Select); coding-DNA position 2299, one base deleted (A; older notation c.2299delA).
Protein change: p.Ser767fs; shifts the reading frame from serine 767.
Molecular consequence: frameshift variant. On other transcripts: intron variant (137).
Genome position (GRCh38, 1-based): chr17:43,093,232, T deleted on the plus strand (A on the coding strand, the reverse complement: BRCA1 is on the minus strand). VCF-style (leftmost placement, unchanged base first): chr17-43093231-CT-C. GRCh37 (hg19) VCF-style: chr17-41245248-CT-C.
Other names: 2418delA; c.664+1512del (NM_001408428.1, NM_001408441.1, NM_001408437.1 and 12 more transcripts); c.671-2200del (NM_001408418.1, NM_001408423.1, NM_001408420.1 and 2 more transcripts); c.787+1512del (NM_001407981.1, NM_007298.4, NM_001407978.1 and 17 more transcripts); c.643+1512del (NM_001408462.1, NM_001408470.1, NM_001408464.1 and 3 more transcripts); c.709+1512del (NM_001408414.1, NM_001408411.1, NM_001408415.1 and 2 more transcripts); c.577+1512del (NM_001408514.1, NM_001408485.1, NM_001408483.1 and 9 more transcripts); c.661+1512del (NM_001408447.1, NM_001408433.1, NM_001408446.1 and 6 more transcripts); and 42 more; short protein forms S767fs, S720fs, S656fs, S697fs, S699fs, S725fs, S726fs, S766fs.
Identifiers: ClinVar variation 37462 (VCV000037462.23), dbSNP rs80357786, ClinGen allele CA001533.

ClinVar aggregate classification (germline): Pathogenic. Review status: reviewed by expert panel (3 of 4 stars). 11 submissions from 11 submitters: Pathogenic (1). 10 of the submissions do not count toward it. Last evaluated 2016-09-08.

Conditions:
Hereditary cancer-predisposing syndrome. Also called: Tumor predisposition; Neoplastic Syndromes, Hereditary; Hereditary Cancer Syndrome; Hereditary neoplastic syndrome. Identifiers: Orphanet 140162, MedGen C0027672, MeSH D009386, MONDO:0015356.
Hereditary breast ovarian cancer syndrome. Also called: Hereditary breast and ovarian cancer syndrome (HBOC); Hereditary breast and ovarian cancer syndrome; Hereditary breast and ovarian cancer; Hereditary breast and/or ovarian cancer syndrome; Breast and ovarian cancer; BRCA1- and BRCA2-Associated Hereditary Breast and Ovarian Cancer. Identifiers: Orphanet 145, MedGen C0677776, MeSH D061325, MONDO:0003582. Disease mechanism: loss of function.
Breast-ovarian cancer, familial, susceptibility to, 1 (BROVCA1). Also called: OVARIAN CANCER, SUSCEPTIBILITY TO; BRCA1 Hereditary Breast and Ovarian Cancer. Identifiers: Orphanet 145, MedGen C2676676, MONDO:0011450, OMIM 604370. Disease mechanism: loss of function.

Allele frequency attached by ClinVar (database versions not stated): TOPMed below 0.00001.

Submissions (11):

Evidence-based Network for the Interpretation of Germline Mutant Alleles (ENIGMA)
Classification: Pathogenic for Breast-ovarian cancer, familial, susceptibility to, 1. Last evaluated: 2016-09-08. Review status: reviewed by expert panel. Criteria: ENIGMA BRCA1/2 Classification Criteria (2015). Collection method: curation. Allele origin: germline.
Comment: Variant allele predicted to encode a truncated non-functional protein.

Labcorp Genetics (formerly Invitae), Labcorp
Classification: Pathogenic for Hereditary breast ovarian cancer syndrome. Last evaluated: 2024-10-29. Review status: criteria provided, single submitter. Criteria: Invitae Variant Classification Sherloc (09022015). Collection method: clinical testing. Allele origin: germline. Not counted in ClinVar's aggregate classification.
Comment: This sequence change creates a premature translational stop signal (p.Ser767Alafs*25) in the BRCA1 gene. It is expected to result in an absent or disrupted protein product. Loss-of-function variants in BRCA1 are known to be pathogenic (PMID: 20104584). This variant is not present in population databases (gnomAD no frequency). This premature translational stop signal has been observed in individual(s) with ovarian cancer and breast cancer (PMID: 10686936, 26187060). This variant is also known as 2418delA. ClinVar contains an entry for this variant (Variation ID: 37462). For these reasons, this variant has been classified as Pathogenic.

GeneDx
Classification: Pathogenic. Last evaluated: 2023-10-03. Review status: criteria provided, single submitter. Criteria: GeneDx Variant Classification Process June 2021. Collection method: clinical testing. Allele origin: germline. Affected: yes. Not counted in ClinVar's aggregate classification.
Comment: Frameshift variant predicted to result in protein truncation or nonsense mediated decay in a gene for which loss of function is a known mechanism of disease; Truncating variants in this gene are considered pathogenic by a well-established clinical consortium and/or database; Not observed at significant frequency in large population cohorts (gnomAD); Also known as 2418delA; This variant is associated with the following publications: (PMID: 26187060, 10459348, 10686936, 12491487, 17688236, 21614564, 26250392, 21702907, 26269718, 28152038, 16267036, 30702160, 20104584, 29446198, 35535697, 31825140)

Ambry Genetics
Classification: Pathogenic for Hereditary cancer-predisposing syndrome. Last evaluated: 2023-02-14. Review status: criteria provided, single submitter. Criteria: Ambry Variant Classification Scheme 2023. Collection method: clinical testing. Allele origin: germline. Not counted in ClinVar's aggregate classification.
Comment: The c.2299delA pathogenic mutation, located in coding exon 9 of the BRCA1 gene, results from a deletion of one nucleotide at nucleotide position 2299, causing a translational frameshift with a predicted alternate stop codon (p.S767Afs*25). This mutation has been reported in multiple individuals with a personal and/or family history consistent with Hereditary Breast and Ovarian Cancer syndrome (HBOC) (Tworek H et al. Cancer Genet. Cytogenet. 1999 Jul;112:105-18; Fetzer S et al. Cancer Genet. Cytogenet. 1999 Aug;113:58-64; Ramus SJ et al. Hum. Mutat. 2007 Dec;28:1207-15; Zhang J et al. Breast Cancer Res. Treat. 2012 Apr;132:421-8; Lynce F et al. Breast Cancer Res. Treat. 2015 Aug;153:201-9; Bhaskaran SP et al. Int. J. Cancer. 2019 Jan). This alteration was also identified in a large, worldwide study of BRCA1/2 mutation positive families (Rebbeck TR et al. Hum. Mutat. 2018 05;39:593-620). This variant is considered to be rare based on population cohorts in the Genome Aggregation Database (gnomAD). In addition to the clinical data presented in the literature, this alteration is expected to result in loss of function by premature protein truncation or nonsense-mediated mRNA decay. As such, this alteration is interpreted as a disease-causing mutation.

Quest Diagnostics Nichols Institute San Juan Capistrano
Classification: Pathogenic. Last evaluated: 2022-12-06. Review status: criteria provided, single submitter. Criteria: Quest Diagnostics criteria. Collection method: clinical testing. Allele origin: unknown. Not counted in ClinVar's aggregate classification.
Comment: This frameshift variant alters the translational reading frame of the BRCA1 mRNA and causes the premature termination of BRCA1 protein synthesis. This variant has not been reported in large, multi-ethnic general populations. In the published literature, the variant has been reported in individuals with breast cancer (PMID: 26250392 (2015), 21614564 (2012), 12491487 (2003)), and in individuals with ovarian cancer (PMID: 10686936 (1999), 10459348 (1999)). Based on the available information, this variant is classified as pathogenic.

Baylor Genetics
Classification: Pathogenic for Breast-ovarian cancer, familial, susceptibility to, 1. Last evaluated: 2022-09-28. Review status: criteria provided, single submitter. Criteria: ACMG Guidelines, 2015. Collection method: clinical testing. Allele origin: unknown. Not counted in ClinVar's aggregate classification.

Laan Lab, Human Genetics Research Group, University of Tartu
Classification: Pathogenic for Breast-ovarian cancer, familial, susceptibility to, 1. Last evaluated: 2021-05-01. Review status: criteria provided, single submitter. Criteria: ACMG Guidelines, 2015. Collection method: research. Allele origin: unknown. Observed: 1 variant allele, 1 heterozygote. Not counted in ClinVar's aggregate classification.

Women's Health and Genetics/Laboratory Corporation of America, LabCorp
Classification: Pathogenic for Hereditary breast and ovarian cancer syndrome. Last evaluated: 2020-11-24. Review status: criteria provided, single submitter. Criteria: LabCorp Variant Classification Summary - May 2015. Collection method: clinical testing. Allele origin: germline. Not counted in ClinVar's aggregate classification.
Comment: Variant summary: BRCA1 c.2299delA (p.Ser767AlafsX25) results in a premature termination codon, predicted to cause a truncation of the encoded protein or absence of the protein due to nonsense mediated decay, which are commonly known mechanisms for disease. Truncations downstream of this position have been classified as pathogenic by our laboratory. The variant was absent in 251084 control chromosomes (gnomAD). c.2299delA has been reported in the literature in multiple individuals affected with Hereditary Breast and Ovarian Cancer Syndrome. These data indicate that the variant is very likely to be associated with disease. To our knowledge, no experimental evidence demonstrating an impact on protein function has been reported. Five other submitters, including an expert panel (ENIGMA), have provided clinical-significance assessments for this variant in ClinVar after 2014, and classified the variant as pathogenic. Based on the evidence outlined above, the variant was classified as pathogenic.

Consortium of Investigators of Modifiers of BRCA1/2 (CIMBA), c/o University of Cambridge
Classification: Pathogenic for Breast-ovarian cancer, familial, susceptibility to, 1. Last evaluated: 2015-10-02. Review status: criteria provided, single submitter. Criteria: CIMBA Mutation Classification guidelines May 2016. Collection method: clinical testing. Allele origin: germline. Not counted in ClinVar's aggregate classification.

Sharing Clinical Reports Project (SCRP)
Classification: Pathogenic for Breast-ovarian cancer, familial 1. Last evaluated: 2010-03-10. Review status: no assertion criteria provided. Collection method: clinical testing. Allele origin: germline. Not counted in ClinVar's aggregate classification.

Breast Cancer Information Core (BIC) (BRCA1)
Classification: Pathogenic for Breast-ovarian cancer, familial 1. Last evaluated: 2002-05-29. Review status: no assertion criteria provided. Collection method: clinical testing. Allele origin: germline. Affected: yes. Observed: 7 variant alleles. Not counted in ClinVar's aggregate classification.

Literature cited by the submitters: PubMed 20104584 (cited by Labcorp Genetics (formerly Invitae), Labcorp); PubMed 10686936 (cited by 4 submitters); PubMed 26187060 (cited by 3 submitters); PubMed 10459348 (cited by Ambry Genetics and Quest Diagnostics Nichols Institute San Juan Capistrano); PubMed 12491487 (cited by 3 submitters); PubMed 17688236 (cited by Ambry Genetics and Women's Health and Genetics/Laboratory Corporation of America, LabCorp); PubMed 21614564 (cited by 3 submitters); PubMed 26250392 (cited by Ambry Genetics and Quest Diagnostics Nichols Institute San Juan Capistrano); PubMed 29446198 (cited by Ambry Genetics and Quest Diagnostics Nichols Institute San Juan Capistrano); PubMed 30702160 (cited by 3 submitters); PubMed 16267036 (cited by Quest Diagnostics Nichols Institute San Juan Capistrano and Women's Health and Genetics/Laboratory Corporation of America, LabCorp); PubMed 21702907 (cited by Quest Diagnostics Nichols Institute San Juan Capistrano and Women's Health and Genetics/Laboratory Corporation of America, LabCorp); PubMed 35535697 (cited by Quest Diagnostics Nichols Institute San Juan Capistrano and Laan Lab, Human Genetics Research Group, University of Tartu); PubMed 31825140 (cited by Quest Diagnostics Nichols Institute San Juan Capistrano).